The following is an entry in ClinVar:

NM_000264.5(PTCH1):c.1652C>A (p.Thr551Lys)

Gene: PTCH1 (patched 1; minus strand). Cytogenetic location: 9q22.32.
Variant type: single nucleotide variant.
Coding change: c.1652C>A on transcript NM_000264.5 (MANE Select); coding-DNA position 1652, C replaced by A.
Protein change: p.Thr551Lys; replaces threonine 551 with lysine.
Molecular consequence: missense variant. On other transcripts: non-coding transcript variant (1).
Genome position (GRCh38, 1-based): chr9:95,476,110, G>T on the plus strand (C>A on the coding strand, the complement: PTCH1 is on the minus strand). VCF-style: chr9-95476110-G-T. GRCh37 (hg19) VCF-style: chr9-98238392-G-T.
Other names: c.1454C>A, p.Thr485Lys (NM_001083602.3); c.1649C>A, p.Thr550Lys (NM_001083603.3); c.1199C>A, p.Thr400Lys (NM_001083604.3, NM_001083605.3, NM_001083606.3 and 1 more transcripts); c.1496C>A, p.Thr499Lys (NM_001354918.2); short protein forms T551K, T550K, T400K, T485K, T499K.
Identifiers: ClinVar variation 1896692 (VCV001896692.5), dbSNP rs863224649, ClinGen allele CA374118029.
Genomic context (GRCh38, chr9:95,476,110, plus strand): 5'-CGCAGAGCGGGAATTGGGATTAACGCGGCCATGAAGAAGGCTGTGACATTGCTGATGGAC[G>T]TGAGGGCCACGCTGGCTCCTGTGCGCTTCAGGCACTCCCCGGTCCTGTCCTGGGAATAAA-3'
Protein context (NP_000255.2, residues 541-561): LKRTGASVAL[Thr551Lys]SISNVTAFFM

ClinVar aggregate classification (germline): Uncertain significance (1 of 4 stars; one submission).

Conditions:
Gorlin syndrome. Also called: Nevoid Basal Cell Carcinoma Syndrome; Basal cell nevus syndrome. Identifiers: Orphanet 377, MedGen C0004779, MONDO:0007187.

Submission:

Labcorp Genetics (formerly Invitae), Labcorp
Classification: Uncertain significance for Gorlin syndrome. Last evaluated: 2022-02-26. Review status: criteria provided, single submitter. Criteria: Invitae Variant Classification Sherloc (09022015). Collection method: clinical testing. Allele origin: germline.
Comment: This variant is not present in population databases (gnomAD no frequency). In summary, the available evidence is currently insufficient to determine the role of this variant in disease. Therefore, it has been classified as a Variant of Uncertain Significance. Advanced modeling of protein sequence and biophysical properties (such as structural, functional, and spatial information, amino acid conservation, physicochemical variation, residue mobility, and thermodynamic stability) performed at Invitae indicates that this missense variant is expected to disrupt PTCH1 protein function. This variant has not been reported in the literature in individuals affected with PTCH1-related conditions. This sequence change replaces threonine, which is neutral and polar, with lysine, which is basic and polar, at codon 551 of the PTCH1 protein (p.Thr551Lys).